The following is an entry in ClinVar:

ClinVar aggregate classification (germline): Likely benign. Review status: criteria provided, multiple submitters, no conflicts (2 of 4 stars). 2 submissions from 2 submitters: Likely benign (2). Last evaluated 2025-10-31.

Conditions:
Niemann-Pick disease, type C1. Also called: NEUROVISCERAL STORAGE DISEASE WITH VERTICAL SUPRANUCLEAR OPHTHALMOPLEGIA; NIEMANN-PICK DISEASE WITH CHOLESTEROL ESTERIFICATION BLOCK; NIEMANN-PICK DISEASE WITHOUT SPHINGOMYELINASE DEFICIENCY; NIEMANN-PICK DISEASE, CHRONIC NEURONOPATHIC FORM; NIEMANN-PICK DISEASE, VARIANT TYPE C1. Identifiers: Orphanet 646, MedGen C3179455, MONDO:0009757, OMIM 257220.
NPC1-related disorder. Also called: NPC1-related condition.

Submissions (2):

PreventionGenetics, part of Exact Sciences
Classification: Likely benign for NPC1-related condition. Last evaluated: 2025-10-31. Review status: criteria provided, single submitter. Criteria: ACMG Guidelines, 2015. Collection method: clinical testing. Allele origin: germline.
Comment: This variant is classified as likely benign based on ACMG/AMP sequence variant interpretation guidelines (Richards et al. 2015 PMID: 25741868, with internal and published modifications).

Labcorp Genetics (formerly Invitae), Labcorp
Classification: Likely benign for Niemann-Pick disease, type C1. Last evaluated: 2024-02-23. Review status: criteria provided, single submitter. Criteria: Invitae Variant Classification Sherloc (09022015). Collection method: clinical testing. Allele origin: germline.

NM_000271.5(NPC1):c.1947+7_1947+8insCAGG

Gene: NPC1 (NPC intracellular cholesterol transporter 1; minus strand). Cytogenetic location: 18q11.2.
Variant type: Insertion.
Coding change: c.1947+7_1947+8insCAGG on transcript NM_000271.5 (MANE Select); bases 7 to 8 of the intron after coding-DNA position 1947, CAGG inserted.
Molecular consequence: intron variant.
Genome position: GRCh38 VCF-style: chr18-23544952-C-CCCTG. GRCh37 (hg19) VCF-style: chr18-21124916-C-CCCTG.
Other names: c.1947+7_1947+8insCAGG (NM_000271.4).
Identifiers: ClinVar variation 2201920 (VCV002201920.5), dbSNP rs1555634618, ClinGen allele CA2580095644.